The following is an entry in ClinVar:

NM_006947.4(SRP72):c.354+6T>G

Gene: SRP72 (signal recognition particle 72; plus strand). Cytogenetic location: 4q12.
Variant type: single nucleotide variant.
Coding change: c.354+6T>G on transcript NM_006947.4 (MANE Select); 6 bases into the intron after coding-DNA position 354, T replaced by G.
Molecular consequence: intron variant.
Genome position (GRCh38, 1-based): chr4:56,471,849, T>G. VCF-style: chr4-56471849-T-G. GRCh37 (hg19) VCF-style: chr4-57338015-T-G.
Other names: c.354+6T>G (NM_001267722.2).
Identifiers: ClinVar variation 2825142 (VCV002825142.3), dbSNP rs2545746979, ClinGen allele CA2670732509.
Genomic context (GRCh38, chr4:56,471,849, plus strand): 5'-AATAGAAAGTGCCAACCAGCAGACAGACAAACTGAAGGAGCTTTATGGACAAGTGGTAAT[T>G]ACTGCTTTTAAATACATGTTGACAGTGATACTGAGTGAGCATGACTACCTCTAGCAAGGA-3'

ClinVar aggregate classification (germline): Uncertain significance (1 of 4 stars; one submission).

Allele frequency attached by ClinVar (database versions not stated): gnomAD exomes below 0.00001.
gnomAD v4.1: 1 of 1,613,682 alleles (0.000062%); highest among the groups gnomAD compares: Non-Finnish European, 0.000085%; no homozygotes.

Submission:

Labcorp Genetics (formerly Invitae), Labcorp
Classification: Uncertain significance. Last evaluated: 2022-12-30. Review status: criteria provided, single submitter. Criteria: Invitae Variant Classification Sherloc (09022015). Collection method: clinical testing. Allele origin: germline.
Comment: In summary, the available evidence is currently insufficient to determine the role of this variant in disease. Therefore, it has been classified as a Variant of Uncertain Significance. Variants that disrupt the consensus splice site are a relatively common cause of aberrant splicing (PMID: 17576681, 9536098). Algorithms developed to predict the effect of sequence changes on RNA splicing suggest that this variant is not likely to affect RNA splicing. This variant has not been reported in the literature in individuals affected with SRP72-related conditions. This variant is not present in population databases (gnomAD no frequency). This sequence change falls in intron 3 of the SRP72 gene. It does not directly change the encoded amino acid sequence of the SRP72 protein. It affects a nucleotide within the consensus splice site.

Literature cited by the submitters: PubMed 17576681; PubMed 9536098.